The following is an entry in ClinVar:

ClinVar aggregate classification (germline): Likely benign (1 of 4 stars; one submission).

Conditions:
PCNT-related disorder. Also called: PCNT-related condition.

gnomAD v4.1: 2 of 1,614,114 alleles (0.00012%); highest among the groups gnomAD compares: Admixed American, 0.0033%; no homozygotes.

Submission:

PreventionGenetics, part of Exact Sciences
Classification: Likely benign for PCNT-related condition. Last evaluated: 2024-12-30. Review status: criteria provided, single submitter. Criteria: ACMG Guidelines, 2015. Collection method: clinical testing. Allele origin: germline.
Comment: This variant is classified as likely benign based on ACMG/AMP sequence variant interpretation guidelines (Richards et al. 2015 PMID: 25741868, with internal and published modifications).

NM_006031.6(PCNT):c.2316T>C (p.Leu772=)

Gene: PCNT (pericentrin; plus strand). Cytogenetic location: 21q22.3.
Variant type: single nucleotide variant.
Coding change: c.2316T>C on transcript NM_006031.6 (MANE Select); coding-DNA position 2316, T replaced by C.
Protein change: p.Leu772=; no amino-acid change (leucine 772 retained).
Molecular consequence: synonymous variant.
Genome position (GRCh38, 1-based): chr21:46,363,641, T>C. VCF-style: chr21-46363641-T-C. GRCh37 (hg19) VCF-style: chr21-47783556-T-C.
Other names: c.1962T>C, p.Leu654= (NM_001315529.2).
Identifiers: ClinVar variation 4984979 (VCV004984979.1).